The following is an entry in ClinVar:

ClinVar aggregate classification (germline): Benign. Review status: reviewed by expert panel (3 of 4 stars). 4 submissions from 4 submitters: Benign (1). 3 of the submissions do not count toward it. Last evaluated 2023-03-21.

Conditions:
Glanzmann thrombasthenia. Also called: THROMBASTHENIA OF GLANZMANN AND NAEGELI; Glanzmann's thrombasthenia; PLATELET GLYCOPROTEIN IIb-IIIa DEFICIENCY; Thrombasthenia. Identifiers: Orphanet 849, MedGen C0040015, MONDO:0100326.

Allele frequency attached by ClinVar (database versions not stated): gnomAD exomes 0.00039; ExAC 0.00257; gnomAD 0.00326 and 0.00344; TOPMed 0.00377; 1000 Genomes Project 0.00379; 1000 Genomes Project 30x 0.00453.
gnomAD v4.1: 869 of 1,412,910 alleles (0.062%); highest among the groups gnomAD compares: African/African-American, 1.2%; 5 homozygotes.

Submissions (4):

ClinGen Platelet Disorders Variant Curation Expert Panel, ClinGen
Classification: Benign for Glanzmann thrombasthenia. Last evaluated: 2023-03-21. Review status: reviewed by expert panel. Criteria: ClinGen Platelet ACMG Specifications v2-1. Collection method: curation. Allele origin: germline. Inheritance: Autosomal recessive inheritance.
Comment: After a comprehensive literature search of the synonymous variant NM_000212.3(ITGB3):c.57G>T (p.Ala19=), no individuals with Glanzmann thrombasthenia were reported with the variant. This variant was observed by Ilumina as part of a predisposition screen in an ostensibly healthy population. Moreover, the variant has a minor allele frequency of 0.01423 (144/10122 alleles) in gnomAD, found in the African/African American population, which is considerably higher than the expected frequency of the disease (BA1). In silico predictor spliceAI revealed that the synonymous mutation is not expected to impact splicing and a PhyloP score of 0.669 shows that the nucleotide position is not highly conserved (BP4, BP7). In summary, this variant meets the criteria to be classified as Benign for autosomal recessive Glanzmann Thrombasthenia based on the ACMG/AMP criteria applied, as specified by the ClinGen PD VCEP: BA1, BP4, BP7 (PD VCEP specifications version 2.1).

Blueprint Genetics
Classification: Likely benign. Last evaluated: 2024-03-07. Review status: criteria provided, single submitter. Criteria: ACMG Guidelines, 2015. Collection method: clinical testing. Allele origin: germline. Not counted in ClinVar's aggregate classification.

Labcorp Genetics (formerly Invitae), Labcorp
Classification: Benign. Last evaluated: 2019-12-31. Review status: criteria provided, single submitter. Criteria: Invitae Variant Classification Sherloc (09022015). Collection method: clinical testing. Allele origin: germline. Not counted in ClinVar's aggregate classification.

Illumina Laboratory Services, Illumina
Classification: Likely benign for Glanzmann thrombasthenia 1. Last evaluated: 2017-04-27. Review status: criteria provided, single submitter. Criteria: ICSL Variant Classification Criteria 13 December 2019. Collection method: clinical testing. Allele origin: germline. Not counted in ClinVar's aggregate classification.
Comment: This variant was observed as part of a predisposition screen in an ostensibly healthy population. A literature search was performed for the gene, cDNA change, and amino acid change (where applicable). No publications were found based on this search. Allele frequency data from public databases allowed determination this variant is unlikely to cause disease. Therefore, this variant is classified as likely benign.

NM_000212.3(ITGB3):c.57G>T (p.Ala19=)

Gene: ITGB3 (integrin subunit beta 3; plus strand). Cytogenetic location: 17q21.32.
Variant type: single nucleotide variant.
Coding change: c.57G>T on transcript NM_000212.3 (MANE Select); coding-DNA position 57, G replaced by T.
Protein change: p.Ala19=; no amino-acid change (alanine 19 retained).
Molecular consequence: synonymous variant.
Genome position (GRCh38, 1-based): chr17:47,253,918, G>T. VCF-style: chr17-47253918-G-T. GRCh37 (hg19) VCF-style: chr17-45331284-G-T.
Other names: NM_000212.3(ITGB3):c.57G>T; p.Ala19=.
Identifiers: ClinVar variation 323862 (VCV000323862.12), dbSNP rs534654534, ClinGen allele CA8622835.